The following is an entry in ClinVar:

ClinVar aggregate classification (germline): Likely pathogenic (1 of 4 stars; one submission).

Conditions:
Short QT syndrome type 2. Identifiers: Orphanet 51083, MedGen C1865019, MONDO:0012313, OMIM 609621.
Jervell and Lange-Nielsen syndrome 1 (JLNS1). Also called: PROLONGED QT INTERVAL IN EKG AND SUDDEN DEATH; SURDO-CARDIAC SYNDROME; CARDIOAUDITORY SYNDROME OF JERVELL AND LANGE-NIELSEN; DEAFNESS, CONGENITAL, AND FUNCTIONAL HEART DISEASE. Identifiers: Orphanet 768, Orphanet 90647, MedGen C4551509, MONDO:0024540, OMIM 220400.
Atrial fibrillation, familial, 3 (ATFB3). Identifiers: MedGen C1837014, MONDO:0011857, OMIM 607554.
Long QT syndrome 1 (LQT1). Identifiers: Orphanet 101016, Orphanet 768, MedGen C4551647, MONDO:0100316, OMIM 192500, MONDO:0008646.

Submission:

Juno Genomics, Hangzhou Juno Genomics, Inc
Classification: Likely pathogenic for Long QT syndrome 1; Atrial fibrillation, familial, 3; Jervell and Lange-Nielsen syndrome 1; Short QT syndrome type 2. Review status: criteria provided, single submitter. Criteria: ACMG Guidelines, 2015. Collection method: clinical testing. Allele origin: germline.
Comment: Null variant in a gene where loss of function (LOF) is a known mechanism of disease.;Absent from controls (or at extremely low frequency if recessive) in Genome Aggregation Database.

NM_000218.3(KCNQ1):c.1264A>T (p.Lys422Ter)

Gene: KCNQ1 (potassium voltage-gated channel subfamily Q member 1; plus strand). Cytogenetic location: 11p15.5.
Variant type: single nucleotide variant.
Coding change: c.1264A>T on transcript NM_000218.3 (MANE Select); coding-DNA position 1264, A replaced by T.
Protein change: p.Lys422Ter; replaces lysine 422 with a stop codon.
Molecular consequence: nonsense.
Genome position (GRCh38, 1-based): chr11:2,588,725, A>T. VCF-style: chr11-2588725-A-T. GRCh37 (hg19) VCF-style: chr11-2609955-A-T.
Other names: c.1168A>T, p.Lys390Ter (NM_001406836.1); c.994A>T, p.Lys332Ter (NM_001406837.1); c.724A>T, p.Lys242Ter (NM_001406838.1); c.883A>T, p.Lys295Ter (NM_181798.2); short protein forms K242*, K390*, K295*, K332*, K422*.
Identifiers: ClinVar variation 5007858 (VCV005007858.2).
Genomic context (GRCh38, chr11:2,588,725, plus strand): 5'-GGCAGACGATGTCCAGGAACCGCTAATCTGTTGTCTTGTTTTTTTTAGGTAAAGAAAAAA[A>T]AGTTCAAGCTGGACAAAGACAATGGGGTGACTCCTGGAGAGAAGATGCTCACAGTCCCCC-3'